The following is an entry in ClinVar:

NM_203486.3(DLL3):c.395del (p.Gly132fs)

Gene: DLL3 (delta like canonical Notch ligand 3; plus strand). Cytogenetic location: 19q13.2.
Variant type: Deletion.
Coding change: c.395del on transcript NM_203486.3 (MANE Select); coding-DNA position 395, one base deleted (G; older notation c.395delG).
Protein change: p.Gly132fs; shifts the reading frame from glycine 132.
Molecular consequence: frameshift variant.
Genome position (GRCh38, 1-based): chr19:39,500,658, G deleted; the last of 2 consecutive G bases (chr19:39,500,657-39,500,658); deleting either gives the same sequence. VCF-style (leftmost placement, unchanged base first): chr19-39500656-AG-A. GRCh37 (hg19) VCF-style: chr19-39991296-AG-A.
Other names: c.395del, p.Gly132fs (NM_016941.4); short protein forms G132fs.
Identifiers: ClinVar variation 632311 (VCV000632311.12), dbSNP rs761454301, ClinGen allele CA9432180.

ClinVar aggregate classification (germline): Pathogenic. Review status: criteria provided, multiple submitters, no conflicts (2 of 4 stars). 3 submissions from 3 submitters: Pathogenic (3). Last evaluated 2024-11-06.

Conditions:
Spondylocostal dysostosis 1, autosomal recessive (SCDO1). Also called: DLL3-Related Spondylocostal Dysostosis, Autosomal Recessive. Identifiers: Orphanet 2311, MedGen CN032975, MONDO:0020692, OMIM 277300.

Submissions (3):

Labcorp Genetics (formerly Invitae), Labcorp
Classification: Pathogenic. Last evaluated: 2024-11-06. Review status: criteria provided, single submitter. Criteria: Invitae Variant Classification Sherloc (09022015). Collection method: clinical testing. Allele origin: germline.
Comment: This sequence change creates a premature translational stop signal (p.Gly132Glufs*109) in the DLL3 gene. It is expected to result in an absent or disrupted protein product. Loss-of-function variants in DLL3 are known to be pathogenic (PMID: 12746394). This variant is present in population databases (rs761454301, gnomAD 0.1%). This premature translational stop signal has been observed in individual(s) with spondylocostal dysostosis (PMID: 12746394). ClinVar contains an entry for this variant (Variation ID: 632311). For these reasons, this variant has been classified as Pathogenic.

Fulgent Genetics
Classification: Pathogenic for Spondylocostal dysostosis 1, autosomal recessive. Last evaluated: 2024-06-22. Review status: criteria provided, single submitter. Criteria: ACMG Guidelines, 2015. Collection method: clinical testing. Allele origin: germline.

Revvity Omics, Revvity
Classification: Pathogenic for Spondylocostal dysostosis 1, autosomal recessive. Last evaluated: 2023-03-21. Review status: criteria provided, single submitter. Criteria: ACMG Guidelines, 2015. Collection method: clinical testing. Allele origin: germline.

Literature cited by the submitters: PubMed 12746394 (cited by Labcorp Genetics (formerly Invitae), Labcorp).